The following is an entry in ClinVar:

ClinVar aggregate classification (germline): Uncertain significance. Review status: criteria provided, multiple submitters, no conflicts (2 of 4 stars). 2 submissions from 2 submitters: Uncertain significance (2). Last evaluated 2025-02-12.

Conditions:
Hereditary cancer-predisposing syndrome. Also called: Neoplastic Syndromes, Hereditary; Tumor predisposition; Hereditary Cancer Syndrome; Hereditary neoplastic syndrome. Identifiers: Orphanet 140162, MedGen C0027672, MeSH D009386, MONDO:0015356.

Submissions (2):

Ambry Genetics
Classification: Uncertain significance for Hereditary cancer-predisposing syndrome. Last evaluated: 2025-02-12. Review status: criteria provided, single submitter. Criteria: Ambry Variant Classification Scheme 2023. Collection method: clinical testing. Allele origin: germline.
Comment: The p.Q542R variant (also known as c.1625A>G), located in coding exon 12 of the APC gene, results from an A to G substitution at nucleotide position 1625. The glutamine at codon 542 is replaced by arginine, an amino acid with highly similar properties. This amino acid position is highly conserved in available vertebrate species. In addition, in silico predictors for this gene do not accurately predict pathogenicity. Missense alterations in APC are not a common cause of disease (Spier I et al. Genet Med. 2024 Feb;26(2):100992). Based on the available evidence, the clinical significance of this variant remains unclear.

Mayo Clinic Laboratories, Mayo Clinic
Classification: Uncertain significance. Last evaluated: 2023-11-24. Review status: criteria provided, single submitter. Criteria: ACMG Guidelines, 2015. Collection method: clinical testing. Allele origin: germline. Observed: 1 variant allele.
Comment: BP1, PM2

NM_000038.6(APC):c.1625A>G (p.Gln542Arg)

Gene: APC (APC regulator of Wnt signaling pathway; plus strand). Cytogenetic location: 5q22.2.
Variant type: single nucleotide variant.
Coding change: c.1625A>G on transcript NM_000038.6 (MANE Select); coding-DNA position 1625, A replaced by G.
Protein change: p.Gln542Arg; replaces glutamine 542 with arginine.
Molecular consequence: missense variant.
Genome position (GRCh38, 1-based): chr5:112,828,005, A>G. VCF-style: chr5-112828005-A-G. GRCh37 (hg19) VCF-style: chr5-112163702-A-G.
Other names: p.Gln542Arg; c.1625A>G, p.Gln542Arg (NM_001127510.3, NM_001354895.2, NM_001407450.1); c.1571A>G, p.Gln524Arg (NM_001127511.3); c.1679A>G, p.Gln560Arg (NM_001354896.2, NM_001407447.1, NM_001407448.1 and 1 more transcripts); c.1655A>G, p.Gln552Arg (NM_001354897.2); c.1550A>G, p.Gln517Arg (NM_001354898.2); c.1541A>G, p.Gln514Arg (NM_001354899.2); c.1502A>G, p.Gln501Arg (NM_001354900.2); and 13 more; short protein forms Q158R, Q259R, Q382R, Q413R, Q416R, Q441R, Q451R, Q459R.
Identifiers: ClinVar variation 3379596 (VCV003379596.2).